The following is an entry in ClinVar:

NM_001080414.4(CCDC88C):c.3749A>G (p.Glu1250Gly)

Gene: CCDC88C (coiled-coil and HOOK domain protein 88C; minus strand). Cytogenetic location: 14q32.11.
Variant type: single nucleotide variant.
Coding change: c.3749A>G on transcript NM_001080414.4 (MANE Select); coding-DNA position 3749, A replaced by G.
Protein change: p.Glu1250Gly; replaces glutamic acid 1250 with glycine.
Molecular consequence: missense variant. On other transcripts: non-coding transcript variant (2).
Genome position (GRCh38, 1-based): chr14:91,299,957, T>C on the plus strand (A>G on the coding strand, the complement: CCDC88C is on the minus strand). VCF-style: chr14-91299957-T-C. GRCh37 (hg19) VCF-style: chr14-91766301-T-C.
Other names: short protein forms E1250G.
Identifiers: ClinVar variation 4991717 (VCV004991717.1).

ClinVar aggregate classification (germline): Uncertain significance (1 of 4 stars; one submission).

Conditions:
CCDC88C-related disorder. Also called: CCDC88C-Related Disorders; CCDC88C-related condition.

Submission:

PreventionGenetics, part of Exact Sciences
Classification: Uncertain significance for CCDC88C-related condition. Last evaluated: 2026-07-28. Review status: criteria provided, single submitter. Criteria: ACMG Guidelines, 2015. Collection method: clinical testing. Allele origin: germline.
Comment: The CCDC88C c.3749A>G variant is predicted to result in the amino acid substitution p.Glu1250Gly. To our knowledge, this variant has not been reported in the literature or in a large population database (gnomAD), indicating this variant is rare. At this time, the clinical significance of this variant is uncertain due to the absence of conclusive functional and genetic evidence.